The following is an entry in ClinVar:

ClinVar aggregate classification (germline): Likely benign (1 of 4 stars; one submission).

Conditions:
Breast-ovarian cancer, familial, susceptibility to, 1 (BROVCA1). Also called: BRCA1 Hereditary Breast and Ovarian Cancer; OVARIAN CANCER, SUSCEPTIBILITY TO. Identifiers: Orphanet 145, MedGen C2676676, MONDO:0011450, OMIM 604370. Disease mechanism: loss of function.

Submissions (2):

Myriad Genetics, Inc.
Classification: Likely benign for Breast-ovarian cancer, familial, susceptibility to, 1. Last evaluated: 2025-07-30. Review status: criteria provided, single submitter. Criteria: Myriad Autosomal Dominant, Autosomal Recessive and X-Linked Classification Criteria (2023). Collection method: clinical testing. Allele origin: unknown.
Comment: This variant is considered likely benign. This variant is strongly associated with less severe personal and family histories of cancer, typical for individuals without pathogenic variants in this gene [PMID: 25085752].

Brotman Baty Institute, University of Washington
No classification provided (evidence only). Condition: Breast-ovarian cancer, familial 1. Review status: no classification provided. Collection method: in vitro. Allele origin: not applicable. Functional consequence: functionally_normal. Not counted in ClinVar's aggregate classification.
ClinVar note: "not provided" was previously submitted as the classification for the variant. However, the classification appeared to be based only on an observation of functional data so it was converted to no classification on 2025-07-30.

Literature cited by the submitters: PubMed 25085752 (cited by Myriad Genetics, Inc.).

NM_007294.4(BRCA1):c.5473G>C (p.Gly1825Arg)

Gene: BRCA1 (BRCA1 DNA repair associated; minus strand). Cytogenetic location: 17q21.31.
Variant type: single nucleotide variant.
Coding change: c.5473G>C on transcript NM_007294.4 (MANE Select); coding-DNA position 5473, G replaced by C.
Protein change: p.Gly1825Arg; replaces glycine 1825 with arginine.
Molecular consequence: missense variant. On other transcripts: non-coding transcript variant (1).
Genome position (GRCh38, 1-based): chr17:43,045,797, C>G on the plus strand (G>C on the coding strand, the complement: BRCA1 is on the minus strand). VCF-style: chr17-43045797-C-G. GRCh37 (hg19) VCF-style: chr17-41197814-C-G.
Other names: c.5473G>C, p.Gly1825Arg (NM_001407598.1, NM_001407602.1, NM_001407603.1 and 5 more transcripts); c.5470G>C, p.Gly1824Arg (NM_001407610.1, NM_001407611.1, NM_001407612.1 and 14 more transcripts); c.5467G>C, p.Gly1823Arg (NM_001407627.1, NM_001407628.1, NM_001407629.1 and 13 more transcripts); c.5464G>C, p.Gly1822Arg (NM_001407645.1, NM_001407644.1); c.5461G>C, p.Gly1821Arg (NM_001407646.1); c.5458G>C, p.Gly1820Arg (NM_001407647.1); c.5416G>C, p.Gly1806Arg (NM_001407648.1); c.5413G>C, p.Gly1805Arg (NM_001407649.1); and 83 more; short protein forms G1778R, G1846R, W696S, G721R, G1825R, G1528R, G1656R, G1698R.
Identifiers: ClinVar variation 868567 (VCV000868567.4), dbSNP rs398122700, ClinGen allele CA10590388.